The following is an entry in ClinVar:

NM_000092.5(COL4A4):c.3469G>C (p.Gly1157Arg)

Gene: COL4A4 (collagen type IV alpha 4 chain; minus strand). Cytogenetic location: 2q36.3.
Variant type: single nucleotide variant.
Coding change: c.3469G>C on transcript NM_000092.5 (MANE Select); coding-DNA position 3469, G replaced by C.
Protein change: p.Gly1157Arg; replaces glycine 1157 with arginine.
Molecular consequence: missense variant.
Genome position (GRCh38, 1-based): chr2:227,042,184, C>G on the plus strand (G>C on the coding strand, the complement: COL4A4 is on the minus strand). VCF-style: chr2-227042184-C-G. GRCh37 (hg19) VCF-style: chr2-227906900-C-G.
Other names: short protein forms G1157R.
Identifiers: ClinVar variation 3336204 (VCV003336204.2).
Genomic context (GRCh38, chr2:227,042,184, plus strand): 5'-GGGATGGGCTTCATTTTGACTTACCTTTTATTCCCGGAGGACCTGGTATCCCTGGATCCC[C>G]CTGGAGGCCTCTTGGCCCAGGGTCTCCCATTTCTCCTGGCTGTCCCCTCAGCCCAGGCAT-3'
Protein context (NP_000083.3, residues 1147-1167): MGDPGPRGLQ[Gly1157Arg]DPGIPGPPGI

ClinVar aggregate classification (germline): Conflicting classifications of pathogenicity. Review status: criteria provided, conflicting classifications (1 of 4 stars). 2 submissions from 2 submitters: Likely pathogenic (1); Uncertain significance (1). Last evaluated 2024-05-07.

Conditions:
Autosomal recessive Alport syndrome (ATS2). Also called: COL4A3-Related Nephropathy; COL4A4 Alport Syndrome and Thin Basement Membrane Nephropathy; ALPORT SYNDROME 2, AUTOSOMAL RECESSIVE; Alport syndrome type 2. Identifiers: Orphanet 63, Orphanet 88919, MedGen C4746745, MONDO:0008762, OMIM 203780.
Hematuria, benign familial, 1 (BFH1). Also called: THIN MEMBRANE NEPHROPATHY. Identifiers: MedGen CN376803, MONDO:0007709, OMIM 141200.

Submissions (2):

Fulgent Genetics
Classification: Likely pathogenic for Hematuria, benign familial, 1; Autosomal recessive Alport syndrome. Last evaluated: 2024-05-07. Review status: criteria provided, single submitter. Criteria: ACMG Guidelines, 2015. Collection method: clinical testing. Allele origin: germline.

Women's Health and Genetics/Laboratory Corporation of America, LabCorp
Classification: Uncertain significance. Last evaluated: 2024-05-03. Review status: criteria provided, single submitter. Criteria: LabCorp Variant Classification Summary - May 2015. Collection method: clinical testing. Allele origin: germline.
Comment: Variant summary: COL4A4 c.3469G>C (p.Gly1157Arg) results in a non-conservative amino acid change located in the Collagen triple helix repeat region (IPR008160) of the encoded protein sequence. Five of five in-silico tools predict a damaging effect of the variant on protein function. The variant was absent in 249446 control chromosomes. The available data on variant occurrences in the general population are insufficient to allow any conclusion about variant significance. c.3469G>C has not been reported in the literature in individuals affected with Alport Syndrome, Autosomal Recessive. However another missense variant (c.3469G>A) resulting in the same amino acid change (G1157R) has been reported in the literature in association with sporadic IgA Nephropathy (Yuan_2023). To our knowledge, no experimental evidence demonstrating an impact on protein function has been reported. No submitters have cited clinical-significance assessments for this variant to ClinVar. Based on the evidence outlined above, the variant was classified as uncertain significance.

Literature cited by the submitters: PubMed 36130833 (cited by Women's Health and Genetics/Laboratory Corporation of America, LabCorp).